The following is an entry in ClinVar:

ClinVar aggregate classification (germline): Pathogenic. Review status: reviewed by expert panel (3 of 4 stars). 3 submissions from 3 submitters: Pathogenic (1). 2 of the submissions do not count toward it. Last evaluated 2016-10-18.

Conditions:
Breast-ovarian cancer, familial, susceptibility to, 2 (BROVCA2). Also called: BRCA2 Hereditary Breast and Ovarian Cancer. Identifiers: Orphanet 145, MedGen C2675520, MONDO:0012933, OMIM 612555. Disease mechanism: loss of function.
Hereditary breast ovarian cancer syndrome. Also called: BRCA1- and BRCA2-Associated Hereditary Breast and Ovarian Cancer; Hereditary breast and ovarian cancer; Breast and ovarian cancer; Hereditary breast and/or ovarian cancer syndrome; Hereditary breast and ovarian cancer syndrome; Hereditary breast and ovarian cancer syndrome (HBOC). Identifiers: Orphanet 145, MedGen C0677776, MeSH D061325, MONDO:0003582. Disease mechanism: loss of function.

Submissions (3):

Evidence-based Network for the Interpretation of Germline Mutant Alleles (ENIGMA)
Classification: Pathogenic for Breast-ovarian cancer, familial, susceptibility to, 2. Last evaluated: 2016-10-18. Review status: reviewed by expert panel. Criteria: ENIGMA BRCA1/2 Classification Criteria (2015). Collection method: curation. Allele origin: germline.
Comment: Variant allele predicted to encode a truncated non-functional protein.

Labcorp Genetics (formerly Invitae), Labcorp
Classification: Pathogenic for Hereditary breast ovarian cancer syndrome. Last evaluated: 2020-12-31. Review status: criteria provided, single submitter. Criteria: Invitae Variant Classification Sherloc (09022015). Collection method: clinical testing. Allele origin: germline. Not counted in ClinVar's aggregate classification.
Comment: For these reasons, this variant has been classified as Pathogenic. This variant has not been reported in the literature in individuals with BRCA2-related conditions. ClinVar contains an entry for this variant (Variation ID: 267130). This variant is not present in population databases (ExAC no frequency). This sequence change creates a premature translational stop signal (p.Tyr3009*) in the BRCA2 gene. It is expected to result in an absent or disrupted protein product. Loss-of-function variants in BRCA2 are known to be pathogenic (PMID: 20104584).

Consortium of Investigators of Modifiers of BRCA1/2 (CIMBA), c/o University of Cambridge
Classification: Pathogenic for Breast-ovarian cancer, familial, susceptibility to, 2. Last evaluated: 2015-10-02. Review status: criteria provided, single submitter. Criteria: CIMBA Mutation Classification guidelines May 2016. Collection method: clinical testing. Allele origin: germline. Not counted in ClinVar's aggregate classification.

Literature cited by the submitters: PubMed 20104584 (cited by Labcorp Genetics (formerly Invitae), Labcorp).

NM_000059.4(BRCA2):c.9024_9046del (p.Ile3008_Tyr3009insTer)

Gene: BRCA2 (BRCA2 DNA repair associated; plus strand). Cytogenetic location: 13q13.1.
Variant type: Deletion.
Coding change: c.9024_9046del on transcript NM_000059.4 (MANE Select); coding-DNA positions 9024 to 9046, 23 bases deleted (TTATCATCTTGCAACTTCAAAAT).
Protein change: p.Ile3008_Tyr3009insTer.
Molecular consequence: frameshift variant.
Genome position (GRCh38, 1-based): chr13:32,379,820-32,379,842, TTATCATCTTGCAACTTCAAAAT deleted; deleting any 23 consecutive bases within chr13:32,379,817-32,379,842 gives the same sequence; the c. name uses the placement nearest the transcript's 3' end. VCF-style (leftmost placement, unchanged base first): chr13-32379816-GAATTTATCATCTTGCAACTTCAA-G. GRCh37 (hg19) VCF-style: chr13-32953953-GAATTTATCATCTTGCAACTTCAA-G.
Other names: 9252del23.
Identifiers: ClinVar variation 267130 (VCV000267130.9), dbSNP rs886040812, ClinGen allele CA10589539.